The following is an entry in ClinVar:

ClinVar aggregate classification (germline): Uncertain significance (1 of 4 stars; one submission).

Conditions:
Cardiovascular phenotype. Identifiers: MedGen CN230736.

Submission:

Ambry Genetics
Classification: Uncertain significance for Cardiovascular phenotype. Last evaluated: 2021-07-12. Review status: criteria provided, single submitter. Criteria: Ambry Variant Classification Scheme 2023. Collection method: clinical testing. Allele origin: germline.
Comment: The p.R506P variant (also known as c.1517G>C), located in coding exon 2 of the TNXB gene, results from a G to C substitution at nucleotide position 1517. The arginine at codon 506 is replaced by proline, an amino acid with dissimilar properties. This amino acid position is conserved. In addition, this alteration is predicted to be tolerated by in silico analysis. Since supporting evidence is limited at this time, the clinical significance of this alteration remains unclear.

NM_001365276.2(TNXB):c.1517G>C (p.Arg506Pro)

Gene: TNXB (tenascin XB; minus strand). Cytogenetic location: 6p21.33.
Variant type: single nucleotide variant.
Coding change: c.1517G>C on transcript NM_001365276.2 (MANE Select); coding-DNA position 1517, G replaced by C.
Protein change: p.Arg506Pro; replaces arginine 506 with proline.
Molecular consequence: missense variant.
Genome position (GRCh38, 1-based): chr6:32,096,336, C>G on the plus strand (G>C on the coding strand, the complement: TNXB is on the minus strand). VCF-style: chr6-32096336-C-G. GRCh37 (hg19) VCF-style: chr6-32064113-C-G.
Other names: c.1517G>C, p.Arg506Pro (NM_019105.8); short protein forms R506P.
Identifiers: ClinVar variation 1774344 (VCV001774344.2), dbSNP rs867372806, ClinGen allele CA363480456.
Genomic context (GRCh38, chr6:32,096,336, plus strand): 5'-CGGCTCCCACAGTCCTCACCGGTGAAGCCCGGGTTGCACACGCAGCGGCCATCCACGCAG[C>G]GCCCGCGCCCGCGACAGTCGCCAGGACAGGCGCGCGTGCCGCAGTCCCGGCCTGTGTACC-3'
Protein context (NP_001352205.1, residues 496-516): ACPGDCRGRG[Arg506Pro]CVDGRCVCNP